The following is an entry in ClinVar:

NM_000051.4(ATM):c.7667C>A (p.Thr2556Asn)

Genes: ATM (ATM serine/threonine kinase; plus strand), C11orf65 (chromosome 11 open reading frame 65; minus strand). Cytogenetic location: 11q22.3.
Variant type: single nucleotide variant.
Coding change: c.7667C>A on transcript NM_000051.4 (MANE Select); coding-DNA position 7667, C replaced by A.
Protein change: p.Thr2556Asn; replaces threonine 2556 with asparagine.
Molecular consequence: missense variant. On other transcripts: intron variant (2).
Genome position (GRCh38, 1-based): chr11:108,331,916, C>A. VCF-style: chr11-108331916-C-A. GRCh37 (hg19) VCF-style: chr11-108202643-C-A.
Other names: c.7667C>A, p.Thr2556Asn (NM_001351834.2); c.641-22845G>T (NM_001330368.2); c.*38+3304G>T (NM_001351110.2); short protein forms T2556N.
Identifiers: ClinVar variation 479106 (VCV000479106.15), dbSNP rs1226186392, ClinGen allele CA382560966.

ClinVar aggregate classification (germline): Uncertain significance. Review status: criteria provided, multiple submitters, no conflicts (2 of 4 stars). 2 submissions from 2 submitters: Uncertain significance (2). Last evaluated 2023-05-09.

Conditions:
Hereditary cancer-predisposing syndrome. Also called: Neoplastic Syndromes, Hereditary; Hereditary Cancer Syndrome; Tumor predisposition; Hereditary neoplastic syndrome. Identifiers: Orphanet 140162, MedGen C0027672, MeSH D009386, MONDO:0015356.
Ataxia-telangiectasia syndrome (AT). Also called: LOUIS-BAR SYNDROME; Cerebello-oculocutaneous telangiectasia; Immunodeficiency with ataxia telangiectasia; Ataxia-telangiectasia, complementation group D; AT, COMPLEMENTATION GROUP C; Ataxia-telangiectasia, complementation group E. Identifiers: Orphanet 100, MedGen C0004135, MONDO:0008840, OMIM 208900.

gnomAD v4.1: 3 of 1,613,944 alleles (0.00019%); highest among the groups gnomAD compares: Non-Finnish European, 0.00017%; no homozygotes.

Submissions (2):

Labcorp Genetics (formerly Invitae), Labcorp
Classification: Uncertain significance for Ataxia-telangiectasia syndrome. Last evaluated: 2023-05-09. Review status: criteria provided, single submitter. Criteria: Invitae Variant Classification Sherloc (09022015). Collection method: clinical testing. Allele origin: germline.
Comment: This variant has not been reported in the literature in individuals affected with ATM-related conditions. This sequence change replaces threonine, which is neutral and polar, with asparagine, which is neutral and polar, at codon 2556 of the ATM protein (p.Thr2556Asn). This variant is not present in population databases (gnomAD no frequency). ClinVar contains an entry for this variant (Variation ID: 479106). An algorithm developed to predict the effect of missense changes on protein structure and function (PolyPhen-2) suggests that this variant is likely to be disruptive. In summary, the available evidence is currently insufficient to determine the role of this variant in disease. Therefore, it has been classified as a Variant of Uncertain Significance.

Ambry Genetics
Classification: Uncertain significance for Hereditary cancer-predisposing syndrome. Last evaluated: 2017-07-19. Review status: criteria provided, single submitter. Criteria: Ambry Variant Classification Scheme 2023. Collection method: clinical testing. Allele origin: germline.
Comment: The p.T2556N variant (also known as c.7667C>A), located in coding exon 51 of the ATM gene, results from a C to A substitution at nucleotide position 7667. The threonine at codon 2556 is replaced by asparagine, an amino acid with similar properties. This amino acid position is well conserved in available vertebrate species. In addition, the in silico prediction for this alteration is inconclusive. Since supporting evidence is limited at this time, the clinical significance of this alteration remains unclear.